The following is an entry in ClinVar:

ClinVar aggregate classification (germline): Pathogenic (1 of 4 stars; one submission).

Conditions:
Paediatric disorders.

Submission:

North West Genomic Laboratory Hub, Manchester University NHS Foundation Trust
Classification: Pathogenic for Paediatric disorders. Last evaluated: 2024-09-09. Review status: criteria provided, single submitter. Criteria: ACGS Best Practice Guidelines for Variant Classification in Rare Disease 2020. Collection method: clinical testing. Allele origin: germline. Affected: yes.
Comment: PM2_Mod PVS1_VStr

NM_001080517.3(SETD5):c.913del (p.Val305fs)

Gene: SETD5 (SET domain containing 5; plus strand). Cytogenetic location: 3p25.3.
Variant type: Deletion.
Coding change: c.913del on transcript NM_001080517.3 (MANE Select); coding-DNA position 913, one base deleted (G; older notation c.913delG).
Protein change: p.Val305fs; shifts the reading frame from valine 305.
Molecular consequence: frameshift variant.
Genome position (GRCh38, 1-based): chr3:9,441,695, G deleted. VCF-style (leftmost placement, unchanged base first): chr3-9441694-AG-A. GRCh37 (hg19) VCF-style: chr3-9483378-AG-A.
Other names: c.619del, p.Val207fs (NM_001292043.2, NM_001349451.2); c.1009del, p.Val337fs (NM_001437633.1); c.970del, p.Val324fs (NM_001437635.1); c.913del, p.Val305fs (NM_001437643.1); c.952del, p.Val318fs (NM_001437701.1); short protein forms V207fs, V305fs, V318fs, V324fs, V337fs.
Identifiers: ClinVar variation 4849598 (VCV004849598.1).